The following is an entry in ClinVar:

NM_020706.2(SCAF4):c.2015del (p.Pro672fs)

Gene: SCAF4 (SR-related CTD associated factor 4; minus strand). Cytogenetic location: 21q22.11.
Variant type: Deletion.
Coding change: c.2015del on transcript NM_020706.2 (MANE Select); coding-DNA position 2015, one base deleted (C; older notation c.2015delC).
Protein change: p.Pro672fs; shifts the reading frame from proline 672.
Molecular consequence: frameshift variant.
Genome position (GRCh38, 1-based): chr21:31,688,335, G deleted on the plus strand (C on the coding strand, the reverse complement: SCAF4 is on the minus strand); the first of 2 consecutive G bases (chr21:31,688,335-31,688,336); deleting either gives the same sequence. VCF-style (leftmost placement, unchanged base first): chr21-31688334-AG-A. GRCh37 (hg19) VCF-style: chr21-33060647-AG-A.
Other names: c.1970del, p.Pro657fs (NM_001145444.1); c.2015del, p.Pro672fs (NM_001145445.1); short protein forms P657fs, P672fs.
Identifiers: ClinVar variation 4279862 (VCV004279862.1).

ClinVar aggregate classification (germline): Pathogenic (1 of 4 stars; one submission).

Conditions:
Fliedner-Zweier syndrome (FZS). Identifiers: MedGen C5882693, MONDO:0957787, OMIM 620511.

Submission:

Clinical Genomics Laboratory, Washington University in St. Louis
Classification: Pathogenic for Fliedner-Zweier syndrome. Last evaluated: 2025-07-18. Review status: criteria provided, single submitter. Criteria: ACMG Guidelines, 2015. Collection method: clinical testing. Allele origin: germline. Affected: yes.
Comment: The SCAF4 c.2015del (p.Pro672Leufs*4) variant, to our knowledge, has not been reported in the medical literature. This variant causes a frameshift by deleting one nucleotide, leading to a premature termination codon, which is predicted to lead to nonsense mediated decay. This variant is absent from the general population (gnomAD v.2.1.1), indicating it is not a common variant. Based on available information and the ACMG/AMP guidelines for variant interpretation (Richards S et al., PMID: 25741868), this variant is classified as pathogenic.